The following is an entry in ClinVar:

NM_020987.5(ANK3):c.9145C>T (p.Pro3049Ser)

Gene: ANK3 (ankyrin 3; minus strand). Cytogenetic location: 10q21.2.
Variant type: single nucleotide variant.
Coding change: c.9145C>T on transcript NM_020987.5 (MANE Select); coding-DNA position 9145, C replaced by T.
Protein change: p.Pro3049Ser; replaces proline 3049 with serine.
Molecular consequence: missense variant. On other transcripts: intron variant (4).
Genome position (GRCh38, 1-based): chr10:60,071,736, G>A on the plus strand (C>T on the coding strand, the complement: ANK3 is on the minus strand). VCF-style: chr10-60071736-G-A. GRCh37 (hg19) VCF-style: chr10-61831494-G-A.
Other names: c.4388-3727C>T (NM_001204403.2); c.4409-3727C>T (NM_001204404.2); c.4406-3727C>T (NM_001320874.2); c.1808-3727C>T (NM_001149.4); short protein forms P3049S.
Identifiers: ClinVar variation 2640489 (VCV002640489.24), dbSNP rs1009329743, ClinGen allele CA207324441.

ClinVar aggregate classification (germline): Likely benign (1 of 4 stars; one submission).

Allele frequency attached by ClinVar (database versions not stated): gnomAD exomes below 0.00001; gnomAD 0.00001; TOPMed 0.00002.
gnomAD v4.1: 7 of 1,598,354 alleles (0.00044%); highest among the groups gnomAD compares: Middle Eastern, 0.017%; no homozygotes.

Submission:

CeGaT Center for Human Genetics Tuebingen
Classification: Likely benign. Last evaluated: 2023-02-01. Review status: criteria provided, single submitter. Criteria: CeGaT Center For Human Genetics Tuebingen Variant Classification Criteria Version 2. Collection method: clinical testing. Allele origin: germline. Affected: yes. Observed: 1 variant allele.
Comment: ANK3: BP4